The following is an entry in ClinVar:

ClinVar aggregate classification (germline): Conflicting classifications of pathogenicity. Review status: criteria provided, conflicting classifications (1 of 4 stars). 4 submissions from 4 submitters: Uncertain significance (1); Likely benign (2). 1 of the submissions does not count toward it. Last evaluated 2025-10-01.

Conditions:
ITM2B-related disorder. Also called: ITM2B-related condition.

Allele frequency attached by ClinVar (database versions not stated): gnomAD 0.00021 and 0.00033; gnomAD exomes 0.00022 and 0.00026; ExAC 0.00030; TOPMed 0.00036; ESP Exome Variant Server 0.00015.
gnomAD v4.1: 426 of 1,612,182 alleles (0.026%); highest among the groups gnomAD compares: Middle Eastern, 0.033%; 1 homozygote.

Submissions (4):

Labcorp Genetics (formerly Invitae), Labcorp
Classification: Likely benign. Last evaluated: 2025-10-01. Review status: criteria provided, single submitter. Criteria: Invitae Variant Classification Sherloc (09022015). Collection method: clinical testing. Allele origin: germline.

Blueprint Genetics
Classification: Likely benign. Last evaluated: 2024-11-21. Review status: criteria provided, single submitter. Criteria: ACMG Guidelines, 2015. Collection method: clinical testing. Allele origin: germline.

CeGaT Center for Human Genetics Tuebingen
Classification: Uncertain significance. Last evaluated: 2018-10-01. Review status: criteria provided, single submitter. Criteria: CeGaT Center For Human Genetics Tuebingen Variant Classification Criteria Version 2. Collection method: clinical testing. Allele origin: germline. Affected: yes. Observed: 1 variant allele.

PreventionGenetics, part of Exact Sciences
Classification: Likely benign for ITM2B-related condition. Last evaluated: 2022-07-20. Review status: no assertion criteria provided. Collection method: clinical testing. Allele origin: germline. Not counted in ClinVar's aggregate classification.
Comment: This variant is classified as likely benign based on ACMG/AMP sequence variant interpretation guidelines (Richards et al. 2015 PMID: 25741868, with internal and published modifications).

NM_021999.5(ITM2B):c.774T>C (p.Phe258=)

Gene: ITM2B (integral membrane protein 2B; plus strand). Cytogenetic location: 13q14.2.
Variant type: single nucleotide variant.
Coding change: c.774T>C on transcript NM_021999.5 (MANE Select); coding-DNA position 774, T replaced by C.
Protein change: p.Phe258=; no amino-acid change (phenylalanine 258 retained).
Molecular consequence: synonymous variant.
Genome position (GRCh38, 1-based): chr13:48,261,197, T>C. VCF-style: chr13-48261197-T-C. GRCh37 (hg19) VCF-style: chr13-48835333-T-C.
Other names: c.774T>C (NM_021999.4).
Identifiers: ClinVar variation 807008 (VCV000807008.49), dbSNP rs144217555, ClinGen allele CA6978861.